The following is an entry in ClinVar:

NM_001375524.1(TRRAP):c.8796A>T (p.Val2932=)

Gene: TRRAP (transformation/transcription domain associated protein; plus strand). Cytogenetic location: 7q22.1.
Variant type: single nucleotide variant.
Coding change: c.8796A>T on transcript NM_001375524.1 (MANE Select); coding-DNA position 8796, A replaced by T.
Protein change: p.Val2932=; no amino-acid change (valine 2932 retained).
Molecular consequence: synonymous variant.
Genome position (GRCh38, 1-based): chr7:98,981,930, A>T. VCF-style: chr7-98981930-A-T. GRCh37 (hg19) VCF-style: chr7-98579553-A-T.
Other names: c.8775A>T, p.Val2925= (NM_001244580.2); c.8721A>T, p.Val2907= (NM_003496.4).
Identifiers: ClinVar variation 1945444 (VCV001945444.9), dbSNP rs765168521, ClinGen allele CA4361538.

ClinVar aggregate classification (germline): Likely benign. Review status: criteria provided, multiple submitters, no conflicts (2 of 4 stars). 2 submissions from 2 submitters: Likely benign (2). Last evaluated 2026-01-01.

Allele frequency attached by ClinVar (database versions not stated): TOPMed below 0.00001; ExAC 0.00001.
gnomAD v4.1: 1 of 1,606,916 alleles (0.000062%); highest among the groups gnomAD compares: Admixed American, 0.0017%; no homozygotes.

Submissions (2):

CeGaT Center for Human Genetics Tuebingen
Classification: Likely benign. Last evaluated: 2026-01-01. Review status: criteria provided, single submitter. Criteria: CeGaT Center For Human Genetics Tuebingen Variant Classification Criteria Version 2. Collection method: clinical testing. Allele origin: germline. Affected: yes. Observed: 1 variant allele.
Comment: TRRAP: BP4, BP7

Labcorp Genetics (formerly Invitae), Labcorp
Classification: Likely benign. Last evaluated: 2025-01-13. Review status: criteria provided, single submitter. Criteria: Invitae Variant Classification Sherloc (09022015). Collection method: clinical testing. Allele origin: germline.